The following is an entry in ClinVar:

ClinVar aggregate classification (germline): Uncertain significance (1 of 4 stars; one submission).

Conditions:
Familial thoracic aortic aneurysm and aortic dissection (TAAD). Also called: Thoracic aortic aneurysms and dissections. Identifiers: Orphanet 91387, MedGen C4707243, MONDO:0019625.

Submission:

Labcorp Genetics (formerly Invitae), Labcorp
Classification: Uncertain significance for Familial thoracic aortic aneurysm and aortic dissection. Last evaluated: 2023-09-10. Review status: criteria provided, single submitter. Criteria: Invitae Variant Classification Sherloc (09022015). Collection method: clinical testing. Allele origin: germline.
Comment: This sequence change replaces isoleucine, which is neutral and non-polar, with asparagine, which is neutral and polar, at codon 65 of the SMAD3 protein (p.Ile65Asn). This variant is not present in population databases (gnomAD no frequency). This variant has not been reported in the literature in individuals affected with SMAD3-related conditions. Advanced modeling of protein sequence and biophysical properties (such as structural, functional, and spatial information, amino acid conservation, physicochemical variation, residue mobility, and thermodynamic stability) performed at Invitae indicates that this missense variant is expected to disrupt SMAD3 protein function. In summary, the available evidence is currently insufficient to determine the role of this variant in disease. Therefore, it has been classified as a Variant of Uncertain Significance.

NM_005902.4(SMAD3):c.194T>A (p.Ile65Asn)

Gene: SMAD3 (SMAD family member 3; plus strand). Cytogenetic location: 15q22.33.
Variant type: single nucleotide variant.
Coding change: c.194T>A on transcript NM_005902.4 (MANE Select); coding-DNA position 194, T replaced by A.
Protein change: p.Ile65Asn; replaces isoleucine 65 with asparagine.
Molecular consequence: missense variant.
Genome position (GRCh38, 1-based): chr15:67,066,348, T>A. VCF-style: chr15-67066348-T-A. GRCh37 (hg19) VCF-style: chr15-67358686-T-A.
Other names: c.194T>A, p.Ile65Asn (NM_001407011.1, NM_001407012.1, NM_001407013.1); short protein forms I65N.
Identifiers: ClinVar variation 2760004 (VCV002760004.3), dbSNP rs1555405117, ClinGen allele CA393203101.